The following is an entry in ClinVar:

ClinVar aggregate classification (germline): Conflicting classifications of pathogenicity. Review status: criteria provided, conflicting classifications (1 of 4 stars). 2 submissions from 2 submitters: Uncertain significance (1); Benign (1). Last evaluated 2023-04-26.

Conditions:
Kleefstra syndrome 1 (KLEFS1). Identifiers: Orphanet 261494, MedGen C0795833, MONDO:0027407, OMIM 610253.

Submissions (2):

Labcorp Genetics (formerly Invitae), Labcorp
Classification: Benign for Kleefstra syndrome 1. Last evaluated: 2023-04-26. Review status: criteria provided, single submitter. Criteria: Invitae Variant Classification Sherloc (09022015). Collection method: clinical testing. Allele origin: germline.

GeneDx
Classification: Uncertain significance. Last evaluated: 2023-03-15. Review status: criteria provided, single submitter. Criteria: GeneDx Variant Classification Process June 2021. Collection method: clinical testing. Allele origin: germline. Affected: yes.
Comment: Not observed at significant frequency in large population cohorts (gnomAD); In silico analysis supports that this missense variant does not alter protein structure/function; Has not been previously published as pathogenic or benign to our knowledge

NM_024757.5(EHMT1):c.744G>C (p.Gln248His)

Gene: EHMT1 (euchromatic histone lysine methyltransferase 1; plus strand). Cytogenetic location: 9q34.3.
Variant type: single nucleotide variant.
Coding change: c.744G>C on transcript NM_024757.5 (MANE Select); coding-DNA position 744, G replaced by C.
Protein change: p.Gln248His; replaces glutamine 248 with histidine.
Molecular consequence: missense variant.
Genome position (GRCh38, 1-based): chr9:137,728,450, G>C. VCF-style: chr9-137728450-G-C. GRCh37 (hg19) VCF-style: chr9-140622902-G-C.
Other names: c.744G>C, p.Gln248His (NM_001145527.2, NM_001354263.2, NM_001354611.2); c.651G>C, p.Gln217His (NM_001354259.2, NM_001354612.2); short protein forms Q217H, Q248H.
Identifiers: ClinVar variation 2580051 (VCV002580051.4), dbSNP rs769850896, ClinGen allele CA375772119.